The following is an entry in ClinVar:

ClinVar aggregate classification (germline): Uncertain significance (1 of 4 stars; one submission).

Submission:

Labcorp Genetics (formerly Invitae), Labcorp
Classification: Uncertain significance. Last evaluated: 2021-10-22. Review status: criteria provided, single submitter. Criteria: Invitae Variant Classification Sherloc (09022015). Collection method: clinical testing. Allele origin: germline.
Comment: This variant has not been reported in the literature in individuals affected with C9-related conditions. In summary, the available evidence is currently insufficient to determine the role of this variant in disease. Therefore, it has been classified as a Variant of Uncertain Significance. Algorithms developed to predict the effect of missense changes on protein structure and function are either unavailable or do not agree on the potential impact of this missense change (SIFT: "Not Available"; PolyPhen-2: "Probably Damaging"; Align-GVGD: "Not Available"). This variant is not present in population databases (ExAC no frequency). This sequence change replaces lysine with threonine at codon 114 of the C9 protein (p.Lys114Thr). The lysine residue is highly conserved and there is a moderate physicochemical difference between lysine and threonine.

NM_001737.5(C9):c.341A>C (p.Lys114Thr)

Gene: C9 (complement C9; minus strand). Cytogenetic location: 5p13.1.
Variant type: single nucleotide variant.
Coding change: c.341A>C on transcript NM_001737.5 (MANE Select); coding-DNA position 341, A replaced by C.
Protein change: p.Lys114Thr; replaces lysine 114 with threonine.
Molecular consequence: missense variant.
Genome position (GRCh38, 1-based): chr5:39,341,281, T>G on the plus strand (A>C on the coding strand, the complement: C9 is on the minus strand). VCF-style: chr5-39341281-T-G. GRCh37 (hg19) VCF-style: chr5-39341383-T-G.
Other names: short protein forms K114T.
Identifiers: ClinVar variation 1483652 (VCV001483652.6), dbSNP rs2111953328, ClinGen allele CA359563038.
Genomic context (GRCh38, chr5:39,341,281, plus strand): 5'-CAATCATCCTCATCTGAAAAGTCTCCGCAGTCATTGTCACCATTACACCGAAGTCGCATC[T>G]TTATGCATCTGCCTGCAATCAAAATCAGGAGAGACTCAATGTATCTAATGTCAAATTTTC-3'
Protein context (NP_001728.1, residues 104-124): DFQCSTGRCI[Lys114Thr]MRLRCNGDND